The following is an entry in ClinVar:

NM_004523.4(KIF11):c.2043A>G (p.Ile681Met)

Gene: KIF11 (kinesin family member 11; plus strand). Cytogenetic location: 10q23.33.
Variant type: single nucleotide variant.
Coding change: c.2043A>G on transcript NM_004523.4 (MANE Select); coding-DNA position 2043, A replaced by G.
Protein change: p.Ile681Met; replaces isoleucine 681 with methionine.
Molecular consequence: missense variant.
Genome position (GRCh38, 1-based): chr10:92,637,428, A>G. VCF-style: chr10-92637428-A-G. GRCh37 (hg19) VCF-style: chr10-94397185-A-G.
Other names: short protein forms I681M.
Identifiers: ClinVar variation 971743 (VCV000971743.11), dbSNP rs775790787, ClinGen allele CA5604316.

ClinVar aggregate classification (germline): Uncertain significance. Review status: criteria provided, multiple submitters, no conflicts (2 of 4 stars). 3 submissions from 3 submitters: Uncertain significance (3). Last evaluated 2023-10-14.

Conditions:
Microcephaly with or without chorioretinopathy, lymphedema, or impaired intellectual development. Also called: MICROCEPHALY AND CHORIORETINOPATHY WITH OR WITHOUT MENTAL RETARDATION, AUTOSOMAL DOMINANT; MICROCEPHALY, LYMPHEDEMA, CHORIORETINAL DYSPLASIA SYNDROME; Microcephaly lymphedema chorioretinal dysplasia; Microcephaly with or without chorioretinopathy, lymphedema, or mental retardation; Microcephaly with or without chorioretinopathy, lymphedema, or intellectual disability. Identifiers: Orphanet 2526, MedGen C1835265, MONDO:0007918, OMIM 152950.
Inborn genetic diseases. Identifiers: MedGen C0950123, MeSH D030342.

Allele frequency attached by ClinVar (database versions not stated): ExAC 0.00002; gnomAD 0.00001; TOPMed 0.00002; gnomAD exomes 0.00001.
gnomAD v4.1: 6 of 1,594,490 alleles (0.00038%); highest among the groups gnomAD compares: East Asian, 0.011%; no homozygotes.

Submissions (3):

Ambry Genetics
Classification: Uncertain significance for Inborn genetic diseases. Last evaluated: 2023-10-14. Review status: criteria provided, single submitter. Criteria: Ambry Variant Classification Scheme 2023. Collection method: clinical testing. Allele origin: germline.

Department of Pathology and Laboratory Medicine, Sinai Health System
Classification: Uncertain significance for Microcephaly with or without chorioretinopathy, lymphedema, or impaired intellectual development. Last evaluated: 2021-08-10. Review status: criteria provided, single submitter. Criteria: ACMG Guidelines, 2015. Collection method: research. Allele origin: germline.

Labcorp Genetics (formerly Invitae), Labcorp
Classification: Uncertain significance. Last evaluated: 2019-09-27. Review status: criteria provided, single submitter. Criteria: Invitae Variant Classification Sherloc (09022015). Collection method: clinical testing. Allele origin: germline.
Comment: In summary, the available evidence is currently insufficient to determine the role of this variant in disease. Therefore, it has been classified as a Variant of Uncertain Significance. Algorithms developed to predict the effect of missense changes on protein structure and function output the following: SIFT: "Tolerated"; PolyPhen-2: "Benign"; Align-GVGD: "Class C0". The methionine amino acid residue is found in multiple mammalian species, suggesting that this missense change does not adversely affect protein function. These predictions have not been confirmed by published functional studies and their clinical significance is uncertain. This variant has not been reported in the literature in individuals with KIF11-related conditions. This variant is present in population databases (rs775790787, ExAC 0.02%). This sequence change replaces isoleucine with methionine at codon 681 of the KIF11 protein (p.Ile681Met). The isoleucine residue is moderately conserved and there is a small physicochemical difference between isoleucine and methionine.